The following is an entry in ClinVar:

ClinVar aggregate classification (germline): Uncertain significance. Review status: criteria provided, multiple submitters, no conflicts (2 of 4 stars). 2 submissions from 2 submitters: Uncertain significance (2). Last evaluated 2025-08-20.

Conditions:
Developmental and epileptic encephalopathy, 32 (DEE32). Also called: Epileptic encephalopathy, early infantile, 32. Identifiers: Orphanet 442835, MedGen C4225350, MONDO:0014607, OMIM 616366.

Allele frequency attached by ClinVar (database versions not stated): gnomAD exomes below 0.00001; ExAC 0.00001; TOPMed 0.00002; gnomAD 0.00003.
gnomAD v4.1: 10 of 1,614,040 alleles (0.00062%); highest among the groups gnomAD compares: African/African-American, 0.0067%; no homozygotes.

Submissions (2):

Labcorp Genetics (formerly Invitae), Labcorp
Classification: Uncertain significance for Developmental and epileptic encephalopathy, 32. Last evaluated: 2025-08-20. Review status: criteria provided, single submitter. Criteria: Invitae Variant Classification Sherloc (09022015). Collection method: clinical testing. Allele origin: germline.
Comment: This sequence change replaces isoleucine, which is neutral and non-polar, with valine, which is neutral and non-polar, at codon 187 of the KCNA2 protein (p.Ile187Val). This variant is present in population databases (rs781228990, gnomAD 0.007%). This variant has not been reported in the literature in individuals affected with KCNA2-related conditions. ClinVar contains an entry for this variant (Variation ID: 1948055). Invitae Evidence Modeling of protein sequence and biophysical properties (such as structural, functional, and spatial information, amino acid conservation, physicochemical variation, residue mobility, and thermodynamic stability) indicates that this missense variant is not expected to disrupt KCNA2 protein function with a negative predictive value of 95%. In summary, the available evidence is currently insufficient to determine the role of this variant in disease. Therefore, it has been classified as a Variant of Uncertain Significance.

Women's Health and Genetics/Laboratory Corporation of America, LabCorp
Classification: Uncertain significance. Last evaluated: 2025-04-04. Review status: criteria provided, single submitter. Criteria: LabCorp Variant Classification Summary - May 2015. Collection method: clinical testing. Allele origin: germline.
Comment: Variant summary: KCNA2 c.559A>G (p.Ile187Val) results in a conservative amino acid change in the encoded protein sequence. Four of five in-silico tools predict a benign effect of the variant on protein function. The variant allele was found at a frequency of 8e-06 in 251448 control chromosomes. The available data on variant occurrences in the general population are insufficient to allow any conclusion about variant significance. To our knowledge, no occurrence of c.559A>G in individuals affected with Developmental And Epileptic Encephalopathy, 32 and no experimental evidence demonstrating its impact on protein function have been reported. ClinVar contains an entry for this variant (Variation ID: 1948055). Based on the evidence outlined above, the variant was classified as uncertain significance.

NM_004974.4(KCNA2):c.559A>G (p.Ile187Val)

Gene: KCNA2 (potassium voltage-gated channel subfamily A member 2; minus strand). Cytogenetic location: 1p13.3.
Variant type: single nucleotide variant.
Coding change: c.559A>G on transcript NM_004974.4 (MANE Select); coding-DNA position 559, A replaced by G.
Protein change: p.Ile187Val; replaces isoleucine 187 with valine.
Molecular consequence: missense variant.
Genome position (GRCh38, 1-based): chr1:110,604,224, T>C on the plus strand (A>G on the coding strand, the complement: KCNA2 is on the minus strand). VCF-style: chr1-110604224-T-C. GRCh37 (hg19) VCF-style: chr1-111146846-T-C.
Other names: c.559A>G, p.Ile187Val (NM_001204269.2); short protein forms I187V.
Identifiers: ClinVar variation 1948055 (VCV001948055.7), dbSNP rs781228990, ClinGen allele CA1000702.